The following is an entry in ClinVar:

NM_001793.6(CDH3):c.1571-13T>G

Gene: CDH3 (cadherin 3; plus strand). Cytogenetic location: 16q22.1.
Variant type: single nucleotide variant.
Coding change: c.1571-13T>G on transcript NM_001793.6 (MANE Select); 13 bases into the intron before coding-DNA position 1571, T replaced by G.
Molecular consequence: intron variant.
Genome position (GRCh38, 1-based): chr16:68,687,499, T>G. VCF-style: chr16-68687499-T-G. GRCh37 (hg19) VCF-style: chr16-68721402-T-G.
Other names: c.1406-13T>G (NM_001317196.2); c.1571-13T>G (NM_001317195.3).
Identifiers: ClinVar variation 1960898 (VCV001960898.2), dbSNP rs2543750668, ClinGen allele CA2580091824.

ClinVar aggregate classification (germline): Uncertain significance (1 of 4 stars; one submission).

Submission:

Labcorp Genetics (formerly Invitae), Labcorp
Classification: Uncertain significance. Last evaluated: 2022-08-19. Review status: criteria provided, single submitter. Criteria: Invitae Variant Classification Sherloc (09022015). Collection method: clinical testing. Allele origin: germline.
Comment: This sequence change falls in intron 11 of the CDH3 gene. It does not directly change the encoded amino acid sequence of the CDH3 protein. This variant is not present in population databases (gnomAD no frequency). This variant has not been reported in the literature in individuals affected with CDH3-related conditions. Algorithms developed to predict the effect of sequence changes on RNA splicing suggest that this variant may disrupt the consensus splice site. In summary, the available evidence is currently insufficient to determine the role of this variant in disease. Therefore, it has been classified as a Variant of Uncertain Significance.